The following is an entry in ClinVar:

NM_017612.5(ZCCHC8):c.1441C>T (p.Pro481Ser)

Gene: ZCCHC8 (zinc finger CCHC-type containing 8; minus strand). Cytogenetic location: 12q24.31.
Variant type: single nucleotide variant.
Coding change: c.1441C>T on transcript NM_017612.5 (MANE Select); coding-DNA position 1441, C replaced by T.
Protein change: p.Pro481Ser; replaces proline 481 with serine.
Molecular consequence: missense variant.
Genome position (GRCh38, 1-based): chr12:122,474,180, G>A on the plus strand (C>T on the coding strand, the complement: ZCCHC8 is on the minus strand). VCF-style: chr12-122474180-G-A. GRCh37 (hg19) VCF-style: chr12-122958727-G-A.
Other names: c.1210C>T, p.Pro404Ser (NM_001350935.2); c.1144C>T, p.Pro382Ser (NM_001350936.2); c.727C>T, p.Pro243Ser (NM_001350937.2, NM_001350938.2); short protein forms P243S, P404S, P382S, P481S.
Identifiers: ClinVar variation 2103582 (VCV002103582.4), dbSNP rs2547194790, ClinGen allele CA387049134.

ClinVar aggregate classification (germline): Uncertain significance (1 of 4 stars; one submission).

Submission:

Labcorp Genetics (formerly Invitae), Labcorp
Classification: Uncertain significance. Last evaluated: 2022-02-25. Review status: criteria provided, single submitter. Criteria: Invitae Variant Classification Sherloc (09022015). Collection method: clinical testing. Allele origin: germline.
Comment: In summary, the available evidence is currently insufficient to determine the role of this variant in disease. Therefore, it has been classified as a Variant of Uncertain Significance. Algorithms developed to predict the effect of missense changes on protein structure and function output the following: SIFT: "Deleterious"; PolyPhen-2: "Not Available"; Align-GVGD: "Class C0". The serine amino acid residue is found in multiple mammalian species, which suggests that this missense change does not adversely affect protein function. This variant has not been reported in the literature in individuals affected with ZCCHC8-related conditions. This variant is not present in population databases (gnomAD no frequency). This sequence change replaces proline, which is neutral and non-polar, with serine, which is neutral and polar, at codon 481 of the ZCCHC8 protein (p.Pro481Ser).